The following is an entry in ClinVar:

ClinVar aggregate classification (germline): Uncertain significance. Review status: criteria provided, multiple submitters, no conflicts (2 of 4 stars). 2 submissions from 2 submitters: Uncertain significance (2). Last evaluated 2026-01-25.

Conditions:
Cardiovascular phenotype. Identifiers: MedGen CN230736.

gnomAD v4.1: 8 of 1,612,990 alleles (0.0005%); highest among the groups gnomAD compares: Non-Finnish European, 0.00068%; no homozygotes.

Submissions (2):

Ambry Genetics
Classification: Uncertain significance for Cardiovascular phenotype. Last evaluated: 2026-01-25. Review status: criteria provided, single submitter. Criteria: Ambry Variant Classification Scheme 2023. Collection method: clinical testing. Allele origin: germline.
Comment: The p.P622S variant (also known as c.1864C>T), located in coding exon 2 of the TNXB gene, results from a C to T substitution at nucleotide position 1864. The proline at codon 622 is replaced by serine, an amino acid with similar properties. This amino acid position is conserved. In addition, this alteration is predicted to be tolerated by in silico analysis. Based on the available evidence, the clinical significance of this variant remains unclear.

GeneDx
Classification: Uncertain significance. Last evaluated: 2024-10-08. Review status: criteria provided, single submitter. Criteria: GeneDx Variant Classification Process June 2021. Collection method: clinical testing. Allele origin: germline. Affected: yes.
Comment: Not observed at significant frequency in large population cohorts (gnomAD); In silico analysis supports that this missense variant has a deleterious effect on protein structure/function; Has not been previously published as pathogenic or benign to our knowledge

NM_001365276.2(TNXB):c.1864C>T (p.Pro622Ser)

Gene: TNXB (tenascin XB; minus strand). Cytogenetic location: 6p21.33.
Variant type: single nucleotide variant.
Coding change: c.1864C>T on transcript NM_001365276.2 (MANE Select); coding-DNA position 1864, C replaced by T.
Protein change: p.Pro622Ser; replaces proline 622 with serine.
Molecular consequence: missense variant.
Genome position (GRCh38, 1-based): chr6:32,095,989, G>A on the plus strand (C>T on the coding strand, the complement: TNXB is on the minus strand). VCF-style: chr6-32095989-G-A. GRCh37 (hg19) VCF-style: chr6-32063766-G-A.
Other names: c.1864C>T, p.Pro622Ser (NM_001428335.1, NM_019105.8); short protein forms P622S.
Identifiers: ClinVar variation 3777426 (VCV003777426.2).